The following is an entry in ClinVar:

ClinVar aggregate classification (germline): Uncertain significance (1 of 4 stars; one submission).

Submission:

CeGaT Center for Human Genetics Tuebingen
Classification: Uncertain significance. Last evaluated: 2023-12-01. Review status: criteria provided, single submitter. Criteria: CeGaT Center For Human Genetics Tuebingen Variant Classification Criteria Version 2. Collection method: clinical testing. Allele origin: germline. Affected: yes. Observed: 1 variant allele.
Comment: NAA15: PM2, PP2

NM_057175.5(NAA15):c.20C>T (p.Pro7Leu)

Genes: NAA15 (N-alpha-acetyltransferase 15, NatA auxiliary subunit; plus strand), NDUFC1 (NADH:ubiquinone oxidoreductase subunit C1; minus strand). Cytogenetic location: 4q31.1.
Variant type: single nucleotide variant.
Coding change: c.20C>T on transcript NM_057175.5 (MANE Select); coding-DNA position 20, C replaced by T.
Protein change: p.Pro7Leu; replaces proline 7 with leucine.
Molecular consequence: missense variant. On other transcripts: intron variant (4).
Genome position (GRCh38, 1-based): chr4:139,301,797, C>T. VCF-style: chr4-139301797-C-T. GRCh37 (hg19) VCF-style: chr4-140222951-C-T.
Other names: c.20C>T, p.Pro7Leu (NM_001410842.1); c.-159+619G>A (NM_001184990.1); c.-163+619G>A (NM_001184987.1); c.-199+619G>A (NM_001184988.1); c.-222+619G>A (NM_001184989.2); short protein forms P7L.
Identifiers: ClinVar variation 3026688 (VCV003026688.22), dbSNP rs2530259356, ClinGen allele CA358253199.